The following is an entry in ClinVar:

ClinVar aggregate classification (germline): Benign (1 of 4 stars; one submission).

gnomAD v4.1: 979 of 334,536 alleles (0.29%); highest among the groups gnomAD compares: Admixed American, 3.9%; 21 homozygotes.

Submission:

Dasa
Classification: Benign. Last evaluated: 2025-12-12. Review status: criteria provided, single submitter. Criteria: DASA Assertion Criteria. Collection method: clinical testing. Allele origin: germline.
Comment: NM_002880.4(RAF1):c.581+329G>A is interpreted as benign based on a combination of available evidence, including population frequency. Based on the available data, this variant is classified as benign.

NM_002880.4(RAF1):c.581+329G>A

Gene: RAF1 (Raf-1 proto-oncogene, serine/threonine kinase; minus strand). Cytogenetic location: 3p25.2.
Variant type: single nucleotide variant.
Coding change: c.581+329G>A on transcript NM_002880.4 (MANE Select); 329 bases into the intron after coding-DNA position 581, G replaced by A.
Molecular consequence: intron variant.
Genome position (GRCh38, 1-based): chr3:12,608,437, C>T on the plus strand (G>A on the coding strand, the complement: RAF1 is on the minus strand). VCF-style: chr3-12608437-C-T. GRCh37 (hg19) VCF-style: chr3-12649936-C-T.
Other names: c.338+329G>A (NM_001354695.3, NM_001354692.3, NM_001354694.3 and 1 more transcripts); c.581+329G>A (NM_001354693.3, NM_001354689.3, NM_001354690.3).
Identifiers: ClinVar variation 4851846 (VCV004851846.1).